The following is an entry in ClinVar:

NM_032313.4(NOA1):c.1995C>T (p.Asn665=)

Gene: NOA1 (nitric oxide associated 1; minus strand). Cytogenetic location: 4q12.
Variant type: single nucleotide variant.
Coding change: c.1995C>T on transcript NM_032313.4 (MANE Select); coding-DNA position 1995, C replaced by T.
Protein change: p.Asn665=; no amino-acid change (asparagine 665 retained).
Molecular consequence: synonymous variant.
Genome position (GRCh38, 1-based): chr4:56,963,552, G>A on the plus strand (C>T on the coding strand, the complement: NOA1 is on the minus strand). VCF-style: chr4-56963552-G-A. GRCh37 (hg19) VCF-style: chr4-57829718-G-A.
Identifiers: ClinVar variation 3341536 (VCV003341536.16).

ClinVar aggregate classification (germline): Likely benign (1 of 4 stars; one submission).

gnomAD v4.1: 3,452 of 1,614,102 alleles (0.21%); highest among the groups gnomAD compares: Middle Eastern, 0.76%; 6 homozygotes.

Submission:

CeGaT Center for Human Genetics Tuebingen
Classification: Likely benign. Last evaluated: 2026-05-01. Review status: criteria provided, single submitter. Criteria: CeGaT Center For Human Genetics Tuebingen Variant Classification Criteria Version 2. Collection method: clinical testing. Allele origin: germline. Affected: yes. Observed: 10 variant alleles.
Comment: NOA1: BP4, BP7